The following is an entry in ClinVar:

ClinVar aggregate classification (germline): Likely benign. Review status: criteria provided, multiple submitters, no conflicts (2 of 4 stars). 8 submissions from 7 submitters: Likely benign (8). Last evaluated 2025-11-23.

Conditions:
Adams-Oliver syndrome 5 (AOS5). Identifiers: Orphanet 974, MedGen C4014970, MONDO:0014459, OMIM 616028.
Familial thoracic aortic aneurysm and aortic dissection (TAAD). Also called: Thoracic aortic aneurysms and dissections. Identifiers: Orphanet 91387, MedGen C4707243, MONDO:0019625.
Aortic valve disease 1 (AOVD1). Identifiers: MedGen C3887892, MONDO:0024523, OMIM 109730.

Allele frequency attached by ClinVar (database versions not stated): gnomAD exomes 0.00005; ExAC 0.00007; TOPMed 0.00016; gnomAD 0.00022; ESP Exome Variant Server 0.00031.
gnomAD v4.1: 69 of 1,612,950 alleles (0.0043%); highest among the groups gnomAD compares: African/African-American, 0.057%; no homozygotes.

Submissions (8):

Labcorp Genetics (formerly Invitae), Labcorp
Classification: Likely benign for Adams-Oliver syndrome 5. Last evaluated: 2025-11-23. Review status: criteria provided, single submitter. Criteria: Invitae Variant Classification Sherloc (09022015). Collection method: clinical testing. Allele origin: germline.

ARUP Laboratories, Molecular Genetics and Genomics, ARUP Laboratories
Classification: Likely benign. Last evaluated: 2025-06-16. Review status: criteria provided, single submitter. Criteria: ARUP Molecular Germline Variant Investigation Process 2024. Collection method: clinical testing. Allele origin: germline.

Blueprint Genetics
Classification: Likely benign. Last evaluated: 2024-09-16. Review status: criteria provided, single submitter. Criteria: ACMG Guidelines, 2015. Collection method: clinical testing. Allele origin: germline.

CeGaT Center for Human Genetics Tuebingen
Classification: Likely benign. Last evaluated: 2024-08-01. Review status: criteria provided, single submitter. Criteria: CeGaT Center For Human Genetics Tuebingen Variant Classification Criteria Version 2. Collection method: clinical testing. Allele origin: germline. Affected: yes. Observed: 1 variant allele.
Comment: NOTCH1: BP4, BP7

Genome-Nilou Lab
Classification: Likely benign for Adams-Oliver syndrome 5. Last evaluated: 2022-03-15. Review status: criteria provided, single submitter. Criteria: ACMG Guidelines, 2015. Collection method: clinical testing. Allele origin: germline. Affected: no.

Genome-Nilou Lab
Classification: Likely benign for Aortic valve disease 1. Last evaluated: 2022-03-15. Review status: criteria provided, single submitter. Criteria: ACMG Guidelines, 2015. Collection method: clinical testing. Allele origin: germline. Affected: no.

Ambry Genetics
Classification: Likely benign for Familial thoracic aortic aneurysm and aortic dissection. Last evaluated: 2019-10-11. Review status: criteria provided, single submitter. Criteria: Ambry Variant Classification Scheme 2023. Collection method: clinical testing. Allele origin: germline.

CHEO Genetics Diagnostic Laboratory, Children's Hospital of Eastern Ontario
Classification: Likely benign for Familial thoracic aortic aneurysm and aortic dissection. Last evaluated: 2019-01-24. Review status: criteria provided, single submitter. Criteria: ACMG Guidelines, 2015. Collection method: clinical testing. Allele origin: germline.

NM_017617.5(NOTCH1):c.1956G>A (p.Ser652=)

Gene: NOTCH1 (notch receptor 1; minus strand). Cytogenetic location: 9q34.3.
Variant type: single nucleotide variant.
Coding change: c.1956G>A on transcript NM_017617.5 (MANE Select); coding-DNA position 1956, G replaced by A.
Protein change: p.Ser652=; no amino-acid change (serine 652 retained).
Molecular consequence: synonymous variant.
Genome position (GRCh38, 1-based): chr9:136,515,348, C>T on the plus strand (G>A on the coding strand, the complement: NOTCH1 is on the minus strand). VCF-style: chr9-136515348-C-T. GRCh37 (hg19) VCF-style: chr9-139409800-C-T.
Other names: c.1956G>A, p.Ser652= (LRG_1122t1).
Identifiers: ClinVar variation 477885 (VCV000477885.34), dbSNP rs376101458, ClinGen allele CA5341555.